The following is an entry in ClinVar:

NC_000001.10:g.(?_150778175)_(150778629_?)del

Gene: CTSK (cathepsin K; minus strand). Cytogenetic location: 1q21.3.
Variant type: Deletion.
Identifiers: ClinVar variation 1497056 (VCV001497056.4).

ClinVar aggregate classification (germline): Likely pathogenic (1 of 4 stars; one submission).

Submission:

Labcorp Genetics (formerly Invitae), Labcorp
Classification: Likely pathogenic. Last evaluated: 2020-11-06. Review status: criteria provided, single submitter. Criteria: Invitae Variant Classification Sherloc (09022015). Collection method: clinical testing. Allele origin: germline.
Comment: In summary, the currently available evidence indicates that the variant is pathogenic, but additional data are needed to prove that conclusively. Therefore, this variant has been classified as Likely Pathogenic. Nucleotide substitutions within the consensus splice site are a relatively common cause of aberrant splicing (PMID: 17576681, 9536098). This variant has not been reported in the literature in individuals with CTSK-related conditions. This variant results in the deletion of exon 4 and part of exon 3 (c.192_399+162del) of the CTSK gene. It is expected to disrupt RNA splicing. Variants that disrupt the donor or acceptor splice site typically lead to a loss of protein function (PMID: 16199547), and loss-of-function variants in CTSK are known to be pathogenic (PMID: 12125807, 21569238).

Literature cited by the submitters: PubMed 17576681; PubMed 9536098; PubMed 16199547; PubMed 12125807; PubMed 21569238.